The following is an entry in ClinVar:

ClinVar aggregate classification (germline): Uncertain significance (1 of 4 stars; one submission).

Conditions:
Inborn genetic diseases. Identifiers: MedGen C0950123, MeSH D030342.

Submission:

Ambry Genetics
Classification: Uncertain significance for Inborn genetic diseases. Last evaluated: 2025-10-21. Review status: criteria provided, single submitter. Criteria: Ambry Variant Classification Scheme 2023. Collection method: clinical testing. Allele origin: germline.
Comment: The p.D838H variant (also known as c.2512G>C), located in coding exon 15 of the RECQL4 gene, results from a G to C substitution at nucleotide position 2512. The aspartic acid at codon 838 is replaced by histidine, an amino acid with similar properties. This amino acid position is conserved. Based on the available evidence, the clinical significance of this variant remains unclear.

NM_004260.4(RECQL4):c.2512G>C (p.Asp838His)

Gene: RECQL4 (RecQ like helicase 4; minus strand). Cytogenetic location: 8q24.3.
Variant type: single nucleotide variant.
Coding change: c.2512G>C on transcript NM_004260.4 (MANE Select); coding-DNA position 2512, G replaced by C.
Protein change: p.Asp838His; replaces aspartic acid 838 with histidine.
Molecular consequence: missense variant. On other transcripts: non-coding transcript variant (3).
Genome position (GRCh38, 1-based): chr8:144,513,090, C>G on the plus strand (G>C on the coding strand, the complement: RECQL4 is on the minus strand). VCF-style: chr8-144513090-C-G. GRCh37 (hg19) VCF-style: chr8-145738473-C-G.
Other names: c.2314G>C, p.Asp772His (NM_001413018.1); c.2512G>C, p.Asp838His (NM_001413019.1, NM_001413036.1); c.2416G>C, p.Asp806His (NM_001413020.1); c.1441G>C, p.Asp481His (NM_001413021.1, NM_001413022.1, NM_001413023.1 and 5 more transcripts); c.2383G>C, p.Asp795His (NM_001413025.1); c.1375G>C, p.Asp459His (NM_001413027.1, NM_001413041.1, NM_001413030.1 and 1 more transcripts); c.1243G>C, p.Asp415His (NM_001413038.1, NM_001413031.1); c.2482G>C, p.Asp828His (NM_001413039.1); and 6 more; short protein forms D481H, D740H, D794H, D806H, D349H, D459H, D772H, D838H.
Identifiers: ClinVar variation 4628956 (VCV004628956.1).
Genomic context (GRCh38, chr8:144,513,090, plus strand): 5'-TGCAGGTGCAGGTGCAGGCTGGGAACACGCGCTGTACCAGCCTCTTCACAGCCAGGAAGT[C>G]CGTGCTGTCGGCGTGCACATGTCTGCGCAGCTCTCGCAGGTCTTCGCCCTGCAGGGCAAC-3'
Protein context (NP_004251.4, residues 828-848): LRRHVHADST[Asp838His]FLAVKRLVQR